The following is an entry in ClinVar:

NM_004973.4(JARID2):c.3292C>T (p.Gln1098Ter)

Gene: JARID2 (jumonji and AT-rich interaction domain containing 2; plus strand). Cytogenetic location: 6p22.3.
Variant type: single nucleotide variant.
Coding change: c.3292C>T on transcript NM_004973.4 (MANE Select); coding-DNA position 3292, C replaced by T.
Protein change: p.Gln1098Ter; replaces glutamine 1098 with a stop codon.
Molecular consequence: nonsense.
Genome position (GRCh38, 1-based): chr6:15,513,264, C>T. VCF-style: chr6-15513264-C-T. GRCh37 (hg19) VCF-style: chr6-15513495-C-T.
Other names: c.2776C>T, p.Gln926Ter (NM_001267040.1); short protein forms Q926*, Q1098*.
Identifiers: ClinVar variation 4622402 (VCV004622402.1).

ClinVar aggregate classification (germline): Pathogenic (1 of 4 stars; one submission).

Conditions:
Inborn genetic diseases. Identifiers: MedGen C0950123, MeSH D030342.

Submission:

Ambry Genetics
Classification: Pathogenic for Inborn genetic diseases. Last evaluated: 2025-09-30. Review status: criteria provided, single submitter. Criteria: Ambry Variant Classification Scheme 2023. Collection method: clinical testing. Allele origin: germline.
Comment: The c.3292C>T (p.Q1098*) alteration, located in exon 16 (coding exon 16) of the JARID2 gene, consists of a C to T substitution at nucleotide position 3292. This changes the amino acid from a glutamine (Q) to a stop codon at amino acid position 1098. This alteration is expected to result in loss of function by premature protein truncation or nonsense-mediated mRNA decay. This variant was not reported in population-based cohorts in the Genome Aggregation Database (gnomAD). Based on the available evidence, this alteration is classified as pathogenic.